The following is an entry in ClinVar:

NM_001844.5(COL2A1):c.1098_1115del (p.Phe367_Gly372del)

Gene: COL2A1 (collagen type II alpha 1 chain; minus strand). Cytogenetic location: 12q13.11.
Variant type: Deletion.
Coding change: c.1098_1115del on transcript NM_001844.5 (MANE Select); coding-DNA positions 1098 to 1115, 18 bases deleted (CTTCCCTGGTGCTCCTGG).
Protein change: p.Phe367_Gly372del.
Genome position (GRCh38, 1-based): chr12:47,989,235-47,989,252, CCAGGAGCACCAGGGAAG deleted on the plus strand (CTTCCCTGGTGCTCCTGG on the coding strand, the reverse complement: COL2A1 is on the minus strand); deleting any 18 consecutive bases within chr12:47,989,235-47,989,258 gives the same sequence; the c. name uses the placement nearest the transcript's 3' end. VCF-style (leftmost placement, unchanged base first): chr12-47989234-TCCAGGAGCACCAGGGAAG-T. GRCh37 (hg19) VCF-style: chr12-48383017-TCCAGGAGCACCAGGGAAG-T.
Other names: c.891_908del, p.Phe298_Gly303del (NM_033150.3).
Identifiers: ClinVar variation 3727597 (VCV003727597.2).

ClinVar aggregate classification (germline): Likely pathogenic (1 of 4 stars; one submission).

Submission:

Labcorp Genetics (formerly Invitae), Labcorp
Classification: Likely pathogenic. Last evaluated: 2025-02-28. Review status: criteria provided, single submitter. Criteria: Invitae Variant Classification Sherloc (09022015). Collection method: clinical testing. Allele origin: germline.
Comment: This variant, c.1098_1115del, results in the deletion of 6 amino acid(s) of the COL2A1 protein (p.Phe367_Gly372del), but otherwise preserves the integrity of the reading frame. This variant is not present in population databases (gnomAD no frequency). This variant has not been reported in the literature in individuals affected with COL2A1-related conditions. This variant disrupts the triple helix domain of COL2A1. Glycine residues within the Gly-Xaa-Yaa repeats of the triple helix domain are required for the structure and stability of fibrillar collagens (PMID: 7695699, 8218237, 19344236). In COL2A1, variants affecting these glycine residues are significantly enriched in individuals with disease (PMID: 9016532, 17078022) compared to the general population (ExAC). In summary, the currently available evidence indicates that the variant is pathogenic, but additional data are needed to prove that conclusively. Therefore, this variant has been classified as Likely Pathogenic.

Literature cited by the submitters: PubMed 7695699; PubMed 8218237; PubMed 19344236; PubMed 9016532; PubMed 17078022.